The following is an entry in ClinVar:

NM_000051.4(ATM):c.5218_5225dup (p.Ala1742_Thr1743insPheTer)

Gene: ATM (ATM serine/threonine kinase; plus strand). Cytogenetic location: 11q22.3.
Variant type: Duplication.
Coding change: c.5218_5225dup on transcript NM_000051.4 (MANE Select); coding-DNA positions 5218 to 5225, 8 bases duplicated (ATTTTAGC; older notation c.5218_5225dupATTTTAGC).
Protein change: p.Ala1742_Thr1743insPheTer.
Molecular consequence: nonsense, inframe insertion.
Genome position (GRCh38, 1-based): chr11:108,301,688-108,301,695, ATTTTAGC duplicated; duplicating any 8 consecutive bases within chr11:108,301,687-108,301,695 gives the same sequence; the c. name uses the placement nearest the transcript's 3' end. VCF-style (leftmost placement, unchanged base first): chr11-108301686-A-ACATTTTAG. GRCh37 (hg19) VCF-style: chr11-108172413-A-ACATTTTAG.
Other names: c.5218_5225dup, p.Ala1742_Thr1743insPheTer (NM_001351834.2).
Identifiers: ClinVar variation 2771511 (VCV002771511.3), dbSNP rs2546973082, ClinGen allele CA2697558833.

ClinVar aggregate classification (germline): Pathogenic (1 of 4 stars; one submission).

Conditions:
Ataxia-telangiectasia syndrome (AT). Also called: Ataxia-telangiectasia, complementation group D; LOUIS-BAR SYNDROME; ATAXIA-TELANGIECTASIA, COMPLEMENTATION GROUP A; ATAXIA-TELANGIECTASIA, FRESNO VARIANT; Ataxia telangiectasia (A-T); Cerebello-oculocutaneous telangiectasia. Identifiers: Orphanet 100, MedGen C0004135, MONDO:0008840, OMIM 208900.

Submission:

Labcorp Genetics (formerly Invitae), Labcorp
Classification: Pathogenic for Ataxia-telangiectasia syndrome. Last evaluated: 2023-10-24. Review status: criteria provided, single submitter. Criteria: Invitae Variant Classification Sherloc (09022015). Collection method: clinical testing. Allele origin: germline.
Comment: This sequence change creates a premature translational stop signal (p.Thr1743Phefs*2) in the ATM gene. It is expected to result in an absent or disrupted protein product. Loss-of-function variants in ATM are known to be pathogenic (PMID: 23807571, 25614872). This variant is not present in population databases (gnomAD no frequency). This variant has not been reported in the literature in individuals affected with ATM-related conditions. Algorithms developed to predict the effect of sequence changes on RNA splicing suggest that this variant may disrupt the consensus splice site. For these reasons, this variant has been classified as Pathogenic.

Literature cited by the submitters: PubMed 23807571; PubMed 25614872.